The following is an entry in ClinVar:

ClinVar aggregate classification (germline): Conflicting classifications of pathogenicity. Review status: criteria provided, conflicting classifications (1 of 4 stars). 4 submissions from 2 submitters: Uncertain significance (1); Benign (2); Likely benign (1). Last evaluated 2025-02-06.

Conditions:
Neuropathy, hereditary sensory and autonomic, type 2A (HSAN2A). Also called: MORVAN DISEASE; NEUROPATHY, CONGENITAL SENSORY; NEUROPATHY, HEREDITARY SENSORY RADICULAR, AUTOSOMAL RECESSIVE; NEUROPATHY, HEREDITARY SENSORY, TYPE IIA; NEUROPATHY, PROGRESSIVE SENSORY, OF CHILDREN; HSAN IIA. Identifiers: Orphanet 970, MedGen C2752089, MONDO:0024309, OMIM 201300.
Generalized epilepsy with febrile seizures plus, type 7 (GEFSP7). Also called: GEFS+, TYPE 7. Identifiers: Orphanet 36387, MedGen C2751778, MONDO:0013470, OMIM 613863.
Channelopathy-associated congenital insensitivity to pain, autosomal recessive. Also called: Insensitivity to pain, channelopathy-associated; ASYMBOLIA FOR PAIN; CONGENITAL ANALGESIA, AUTOSOMAL RECESSIVE. Identifiers: Orphanet 88642, Orphanet 970, MedGen C1855739, MONDO:0009459, OMIM 243000.
Paroxysmal extreme pain disorder (PEXPD). Also called: PAIN, SUBMANDIBULAR, OCULAR, AND RECTAL, WITH FLUSHING; RECTAL PAIN, FAMILIAL; SCN9A Paroxysmal Extreme Pain Disorder (SCN9A-PEPD). Identifiers: Orphanet 46348, MedGen C1833661, MONDO:0008179, OMIM 167400.
Primary erythromelalgia. Also called: SCN9A Erythromelalgia (SCN9A-EM); primary erythermalgia. Identifiers: Orphanet 306577, Orphanet 90026, MedGen C0014805, MONDO:0007571, OMIM 133020.

Allele frequency attached by ClinVar (database versions not stated): TOPMed below 0.00001; gnomAD 0.00001 and 0.00005; gnomAD exomes 0.00008; ExAC 0.00011; 1000 Genomes Project 30x 0.00031; 1000 Genomes Project 0.00040.
gnomAD v4.1: 155 of 1,612,392 alleles (0.0096%); highest among the groups gnomAD compares: East Asian, 0.34%; 2 homozygotes.

Submissions (4):

Labcorp Genetics (formerly Invitae), Labcorp
Classification: Likely benign for Neuropathy, hereditary sensory and autonomic, type 2A; Generalized epilepsy with febrile seizures plus, type 7. Last evaluated: 2025-02-06. Review status: criteria provided, single submitter. Criteria: Invitae Variant Classification Sherloc (09022015). Collection method: clinical testing. Allele origin: germline.

Illumina Laboratory Services, Illumina
Classification: Uncertain significance for Channelopathy-associated congenital insensitivity to pain, autosomal recessive. Last evaluated: 2018-01-12. Review status: criteria provided, single submitter. Criteria: ICSL Variant Classification Criteria 13 December 2019. Collection method: clinical testing. Allele origin: germline.

Illumina Laboratory Services, Illumina
Classification: Benign for Paroxysmal extreme pain disorder. Last evaluated: 2018-01-12. Review status: criteria provided, single submitter. Criteria: ICSL Variant Classification Criteria 13 December 2019. Collection method: clinical testing. Allele origin: germline.
Comment: This variant was observed in the ICSL laboratory as part of a predisposition screen in an ostensibly healthy population. It had not been previously curated by ICSL or reported in the Human Gene Mutation Database (HGMD: prior to June 1st, 2018), and was therefore a candidate for classification through an automated scoring system. Utilizing variant allele frequency, disease prevalence and penetrance estimates, and inheritance mode, an automated score was calculated to assess if this variant is too frequent to cause the disease. Based on the score and internal cut-off values, a variant classified as benign is not then subjected to further curation. The score for this variant resulted in a classification of benign for this disease.

Illumina Laboratory Services, Illumina
Classification: Benign for Primary erythromelalgia. Last evaluated: 2018-01-12. Review status: criteria provided, single submitter. Criteria: ICSL Variant Classification Criteria 13 December 2019. Collection method: clinical testing. Allele origin: germline.
Comment: the same text as in the submission from Illumina Laboratory Services, Illumina above.

NM_001365536.1(SCN9A):c.3368G>A (p.Ser1123Asn)

Genes: SCN1A-AS1 (SCN1A and SCN9A antisense RNA 1; plus strand), SCN9A (sodium voltage-gated channel alpha subunit 9; minus strand). Cytogenetic location: 2q24.3.
Variant type: single nucleotide variant.
Coding change: c.3368G>A on transcript NM_001365536.1 (MANE Select); coding-DNA position 3368, G replaced by A.
Protein change: p.Ser1123Asn; replaces serine 1123 with asparagine.
Molecular consequence: missense variant. On other transcripts: non-coding transcript variant (1).
Genome position (GRCh38, 1-based): chr2:166,251,869, C>T on the plus strand (G>A on the coding strand, the complement: SCN9A is on the minus strand). VCF-style: chr2-166251869-C-T. GRCh37 (hg19) VCF-style: chr2-167108379-C-T.
Other names: c.3335G>A, p.Ser1112Asn (NM_002977.4); short protein forms S1112N, S1123N.
Identifiers: ClinVar variation 331971 (VCV000331971.11), dbSNP rs141040985, ClinGen allele CA1944075.